The following is an entry in ClinVar:

ClinVar aggregate classification (germline): Likely benign. Review status: reviewed by expert panel (3 of 4 stars). 9 submissions from 9 submitters: Likely benign (1). 8 of the submissions do not count toward it. Last evaluated 2017-06-29.

Conditions:
Hereditary breast ovarian cancer syndrome. Also called: Hereditary breast and ovarian cancer syndrome; Hereditary breast and ovarian cancer; Hereditary breast and ovarian cancer syndrome (HBOC); Breast and ovarian cancer; Hereditary breast and/or ovarian cancer syndrome; BRCA1- and BRCA2-Associated Hereditary Breast and Ovarian Cancer. Identifiers: Orphanet 145, MedGen C0677776, MeSH D061325, MONDO:0003582. Disease mechanism: loss of function.
Hereditary cancer-predisposing syndrome. Also called: Neoplastic Syndromes, Hereditary; Tumor predisposition; Hereditary neoplastic syndrome; Hereditary Cancer Syndrome. Identifiers: Orphanet 140162, MedGen C0027672, MeSH D009386, MONDO:0015356.
Breast-ovarian cancer, familial, susceptibility to, 2 (BROVCA2). Also called: BRCA2 Hereditary Breast and Ovarian Cancer. Identifiers: Orphanet 145, MedGen C2675520, MONDO:0012933, OMIM 612555. Disease mechanism: loss of function.

Allele frequency attached by ClinVar (database versions not stated): gnomAD exomes below 0.00001; TOPMed 0.00001; gnomAD 0.00004.

Submissions (9):

Evidence-based Network for the Interpretation of Germline Mutant Alleles (ENIGMA)
Classification: Likely benign for Breast-ovarian cancer, familial, susceptibility to, 2. Last evaluated: 2017-06-29. Review status: reviewed by expert panel. Criteria: ENIGMA BRCA1/2 Classification Criteria (2017-06-29). Collection method: curation. Allele origin: germline.
Comment: Synonymous substitution variant, with low bioinformatic likelihood to result in a splicing aberration (Splicing prior probability 0.02).

Labcorp Genetics (formerly Invitae), Labcorp
Classification: Likely benign for Hereditary breast ovarian cancer syndrome. Last evaluated: 2025-12-29. Review status: criteria provided, single submitter. Criteria: Invitae Variant Classification Sherloc (09022015). Collection method: clinical testing. Allele origin: germline. Not counted in ClinVar's aggregate classification.

KCCC/NGS Laboratory, Kuwait Cancer Control Center
Classification: Likely benign for Breast-ovarian cancer, familial, susceptibility to, 2. Last evaluated: 2023-07-07. Review status: criteria provided, single submitter. Criteria: ACMG Guidelines, 2015. Collection method: clinical testing. Allele origin: germline. Affected: yes. Not counted in ClinVar's aggregate classification.

Quest Diagnostics Nichols Institute San Juan Capistrano
Classification: Likely benign. Last evaluated: 2023-05-18. Review status: criteria provided, single submitter. Criteria: Quest Diagnostics criteria. Collection method: clinical testing. Allele origin: unknown. Not counted in ClinVar's aggregate classification.

All of Us Research Program, National Institutes of Health
Classification: Likely benign for Breast-ovarian cancer, familial, susceptibility to, 2. Last evaluated: 2023-04-28. Review status: criteria provided, single submitter. Criteria: ACMG Guidelines, 2015. Collection method: clinical testing. Allele origin: germline. Inheritance: Autosomal dominant inheritance. Observed: 1 variant allele, 1 heterozygote. Not counted in ClinVar's aggregate classification.
Comment: This study involves interpretation of variants in research participants for the purpose of population health screening. Participant phenotype was not available at the time of variant classification. Additional details can be found in publication PMID: 35346344, PMCID: PMC8962531

Women's Health and Genetics/Laboratory Corporation of America, LabCorp
Classification: Likely benign. Last evaluated: 2020-09-23. Review status: criteria provided, single submitter. Criteria: LabCorp Variant Classification Summary - May 2015. Collection method: clinical testing. Allele origin: germline. Not counted in ClinVar's aggregate classification.

Color Diagnostics, LLC DBA Color Health
Classification: Likely benign for Hereditary cancer-predisposing syndrome. Last evaluated: 2017-10-23. Review status: criteria provided, single submitter. Criteria: ACMG Guidelines, 2015. Collection method: clinical testing. Allele origin: germline. Not counted in ClinVar's aggregate classification.

Ambry Genetics
Classification: Likely benign for Hereditary cancer-predisposing syndrome. Last evaluated: 2015-09-17. Review status: criteria provided, single submitter. Criteria: Ambry Variant Classification Scheme 2023. Collection method: clinical testing. Allele origin: germline. Not counted in ClinVar's aggregate classification.

Breast Cancer Information Core (BIC) (BRCA2)
Classification: Uncertain significance for Breast-ovarian cancer, familial 2. Last evaluated: 1998-11-30. Review status: no assertion criteria provided. Collection method: clinical testing. Allele origin: germline. Affected: yes. Observed: 1 variant allele. Not counted in ClinVar's aggregate classification.

Literature cited by the submitters: PubMed 9971877 (cited by Quest Diagnostics Nichols Institute San Juan Capistrano).

NM_000059.4(BRCA2):c.9414A>G (p.Leu3138=)

Gene: BRCA2 (BRCA2 DNA repair associated; plus strand). Cytogenetic location: 13q13.1.
Variant type: single nucleotide variant.
Coding change: c.9414A>G on transcript NM_000059.4 (MANE Select); coding-DNA position 9414, A replaced by G.
Protein change: p.Leu3138=; no amino-acid change (leucine 3138 retained).
Molecular consequence: synonymous variant.
Genome position (GRCh38, 1-based): chr13:32,394,846, A>G. VCF-style: chr13-32394846-A-G. GRCh37 (hg19) VCF-style: chr13-32968983-A-G.
Other names: 9642A/G.
Identifiers: ClinVar variation 52833 (VCV000052833.21), dbSNP rs80359807, ClinGen allele CA026147.
Genomic context (GRCh38, chr13:32,394,846, plus strand): 5'-GTTAATTGCTGCAAGCAACCTCCAGTGGCGACCAGAATCCAAATCAGGCCTTCTTACTTT[A>G]TTTGCTGGAGATTTTTCTGTGTTTTCTGCTAGTCCAAAAGAGGGCCACTTTCAAGAGACA-3'
Protein context (NP_000050.3, residues 3128-3148): RPESKSGLLT[Leu3138=]FAGDFSVFSA